The following is an entry in ClinVar:

ClinVar aggregate classification (germline): Uncertain significance (1 of 4 stars; one submission).

Conditions:
Neurodevelopmental disorder with impaired language and ataxia and with or without seizures. Identifiers: MedGen C5562006, MONDO:0859201, OMIM 619580.

Submission:

MVZ Medizinische Genetik Mainz
Classification: Uncertain significance for Neurodevelopmental disorder with impaired language and ataxia and with or without seizures. Last evaluated: 2025-11-04. Review status: criteria provided, single submitter. Criteria: UK Practice Guidelines For Variant Classification V4 01 2020. Collection method: clinical testing. Allele origin: germline. Inheritance: Autosomal dominant inheritance. Affected: yes. Observed: 1 variant allele.
Comment: ACMG Criteria: PM2_SUP,PP2

NM_021956.5(GRIK2):c.2026A>G (p.Lys676Glu)

Gene: GRIK2 (glutamate ionotropic receptor kainate type subunit 2; plus strand). Cytogenetic location: 6q16.3.
Variant type: single nucleotide variant.
Coding change: c.2026A>G on transcript NM_021956.5 (MANE Select); coding-DNA position 2026, A replaced by G.
Protein change: p.Lys676Glu; replaces lysine 676 with glutamic acid.
Molecular consequence: missense variant.
Genome position (GRCh38, 1-based): chr6:101,928,573, A>G. VCF-style: chr6-101928573-A-G. GRCh37 (hg19) VCF-style: chr6-102376448-A-G.
Other names: c.2026A>G, p.Lys676Glu (NM_001166247.1, NM_175768.3); short protein forms K676E.
Identifiers: ClinVar variation 4532206 (VCV004532206.1).
Genomic context (GRCh38, chr6:101,928,573, plus strand): 5'-GCCGCCTTTCTGACAGTGGAACGCATGGAATCCCCTATTGACTCTGCTGATGATTTAGCT[A>G]AACAAACCAAGATAGAATATGGAGCAGTAGAGGATGGTGCAACCATGACTTTTTTCAAGG-3'
Protein context (NP_068775.1, residues 666-686): SPIDSADDLA[Lys676Glu]QTKIEYGAVE